The following is an entry in ClinVar:

NM_014874.4(MFN2):c.913T>G (p.Ser305Ala)

Gene: MFN2 (mitofusin 2; plus strand). Cytogenetic location: 1p36.22.
Variant type: single nucleotide variant.
Coding change: c.913T>G on transcript NM_014874.4 (MANE Select); coding-DNA position 913, T replaced by G.
Protein change: p.Ser305Ala; replaces serine 305 with alanine.
Molecular consequence: missense variant.
Genome position (GRCh38, 1-based): chr1:12,001,497, T>G. VCF-style: chr1-12001497-T-G. GRCh37 (hg19) VCF-style: chr1-12061554-T-G.
Other names: c.913T>G, p.Ser305Ala (NM_001127660.2); short protein forms S305A.
Identifiers: ClinVar variation 916786 (VCV000916786.4), dbSNP rs1639171448, ClinGen allele CA338441842.

ClinVar aggregate classification (germline): Uncertain significance. Review status: criteria provided, multiple submitters, no conflicts (2 of 4 stars). 3 submissions from 3 submitters: Uncertain significance (3). Last evaluated 2025-08-26.

Conditions:
Charcot-Marie-Tooth disease type 2. Also called: Charcot-Marie-Tooth type 2. Identifiers: Orphanet 64746, MedGen C0270914, MONDO:0018993.
Inborn genetic diseases. Identifiers: MedGen C0950123, MeSH D030342.
Charcot-Marie-Tooth disease. Also called: Charcot-Marie-Tooth Hereditary Neuropathy; Charcot-Marie-Tooth Neuropathy. Identifiers: Orphanet 166, MedGen C0007959, MONDO:0015626.

Submissions (3):

Ambry Genetics
Classification: Uncertain significance for Inborn genetic diseases. Last evaluated: 2025-08-26. Review status: criteria provided, single submitter. Criteria: Ambry Variant Classification Scheme 2023. Collection method: clinical testing. Allele origin: germline.

Labcorp Genetics (formerly Invitae), Labcorp
Classification: Uncertain significance for Charcot-Marie-Tooth disease type 2. Last evaluated: 2024-10-30. Review status: criteria provided, single submitter. Criteria: Invitae Variant Classification Sherloc (09022015). Collection method: clinical testing. Allele origin: germline.
Comment: This sequence change replaces serine, which is neutral and polar, with alanine, which is neutral and non-polar, at codon 305 of the MFN2 protein (p.Ser305Ala). This variant is not present in population databases (gnomAD no frequency). This variant has not been reported in the literature in individuals affected with MFN2-related conditions. ClinVar contains an entry for this variant (Variation ID: 916786). Invitae Evidence Modeling of protein sequence and biophysical properties (such as structural, functional, and spatial information, amino acid conservation, physicochemical variation, residue mobility, and thermodynamic stability) indicates that this missense variant is expected to disrupt MFN2 protein function with a positive predictive value of 95%. In summary, the available evidence is currently insufficient to determine the role of this variant in disease. Therefore, it has been classified as a Variant of Uncertain Significance.

Molecular Genetics Laboratory, London Health Sciences Centre
Classification: Uncertain significance for Charcot-Marie-Tooth disease. Review status: criteria provided, single submitter. Criteria: ACMG Guidelines, 2015. Collection method: clinical testing. Allele origin: germline. Affected: yes.